The following is an entry in ClinVar:

ClinVar aggregate classification (germline): Uncertain significance. Review status: criteria provided, multiple submitters, no conflicts (2 of 4 stars). 2 submissions from 2 submitters: Uncertain significance (2). Last evaluated 2024-06-15.

Conditions:
Arthrogryposis, renal dysfunction, and cholestasis 2 (ARCS2). Identifiers: Orphanet 2697, MedGen C3150672, MONDO:0013255, OMIM 613404.

Submissions (2):

Fulgent Genetics
Classification: Uncertain significance for Arthrogryposis, renal dysfunction, and cholestasis 2. Last evaluated: 2024-06-15. Review status: criteria provided, single submitter. Criteria: ACMG Guidelines, 2015. Collection method: clinical testing. Allele origin: germline.

GeneDx
Classification: Uncertain significance. Last evaluated: 2024-01-12. Review status: criteria provided, single submitter. Criteria: GeneDx Variant Classification Process June 2021. Collection method: clinical testing. Allele origin: germline. Affected: yes.
Comment: Not observed at significant frequency in large population cohorts (gnomAD); In silico analysis supports that this missense variant has a deleterious effect on protein structure/function; Has not been previously published as pathogenic or benign to our knowledge

NM_001193315.2(VIPAS39):c.1032C>G (p.His344Gln)

Gene: VIPAS39 (VPS33B interacting protein, apical-basolateral polarity regulator, spe-39 homolog; minus strand). Cytogenetic location: 14q24.3.
Variant type: single nucleotide variant.
Coding change: c.1032C>G on transcript NM_001193315.2 (MANE Select); coding-DNA position 1032, C replaced by G.
Protein change: p.His344Gln; replaces histidine 344 with glutamine.
Molecular consequence: missense variant. On other transcripts: non-coding transcript variant (1), intron variant (2).
Genome position (GRCh38, 1-based): chr14:77,435,274, G>C on the plus strand (C>G on the coding strand, the complement: VIPAS39 is on the minus strand). VCF-style: chr14-77435274-G-C. GRCh37 (hg19) VCF-style: chr14-77901617-G-C.
Other names: c.1032C>G, p.His344Gln (NM_001193314.2, NM_001193317.2, NM_001400326.1 and 5 more transcripts); c.885C>G, p.His295Gln (NM_001193316.2, NM_001400324.1, NM_001400325.1); c.999C>G, p.His333Gln (NM_001400327.1); c.939C>G, p.His313Gln (NM_001400333.1, NM_001400334.1); c.792C>G, p.His264Gln (NM_001400337.1); c.930C>G, p.His310Gln (NM_001400338.1); c.763-971C>G (NM_001400339.1); c.912+570C>G (NM_001400336.1); short protein forms H264Q, H295Q, H310Q, H313Q, H333Q, H344Q.
Identifiers: ClinVar variation 3367797 (VCV003367797.2).